The following is an entry in ClinVar:

NM_000535.7(PMS2):c.986delinsAA (p.Ser329Ter)

Gene: PMS2 (PMS1 homolog 2, mismatch repair system component; minus strand). Cytogenetic location: 7p22.1.
Variant type: Indel.
Coding change: c.986delinsAA on transcript NM_000535.7 (MANE Select); coding-DNA position 986, C replaced by AA.
Protein change: p.Ser329Ter; replaces serine 329 with a stop codon.
Molecular consequence: nonsense. On other transcripts: non-coding transcript variant (1), intron variant (1).
Genome position (GRCh38, 1-based): chr7:5,991,975, G replaced by TT on the plus strand (C replaced by AA on the coding strand, the reverse complement: PMS2 is on the minus strand). VCF-style: chr7-5991975-G-TT. GRCh37 (hg19) VCF-style: chr7-6031606-G-TT.
Other names: c.581delinsAA, p.Ser194Ter (NM_001322003.2, NM_001322004.2, NM_001322005.2 and 19 more transcripts); c.986delinsAA, p.Ser329Ter (NM_001322006.2, NM_001322014.2, NM_001406870.1 and 2 more transcripts); c.668delinsAA, p.Ser223Ter (NM_001322007.2, NM_001322008.2, NM_001406876.1 and 4 more transcripts); c.53delinsAA, p.Ser18Ter (NM_001322011.2, NM_001322012.2); c.413delinsAA, p.Ser138Ter (NM_001322013.2, NM_001406909.1); c.677delinsAA, p.Ser226Ter (NM_001322015.2, NM_001406875.1, NM_001406877.1 and 6 more transcripts); c.1172delinsAA, p.Ser391Ter (NM_001406866.1); c.1010delinsAA, p.Ser337Ter (NM_001406868.1); and 8 more; short protein forms S138*, S158*, S18*, S194*, S207*, S217*, S223*, S226*.
Identifiers: ClinVar variation 3904682 (VCV003904682.1).
Genomic context (GRCh38, chr7:5,991,975, plus strand): 5'-TCATTTTATTCTTTGAGGCATTAGTCACTAGTTGTACTGAAATGCCAATGGAACTTACCT[G>TT]AATCAACAGAAATGTTAAGAACAACAAATGGATACTGGTGTCGATTATACATGTGGTAGA-3'

ClinVar aggregate classification (germline): Pathogenic (1 of 4 stars; one submission).

Conditions:
Lynch syndrome 4 (LYNCH4). Also called: Colorectal cancer, hereditary nonpolyposis, type 4; Hereditary non-polyposis colorectal cancer, type 4. Identifiers: Orphanet 144, MedGen C1838333, MONDO:0013699, OMIM 614337. Disease mechanism: loss of function.

Submission:

Myriad Genetics, Inc.
Classification: Pathogenic for Lynch syndrome 4. Last evaluated: 2024-12-23. Review status: criteria provided, single submitter. Criteria: Myriad Autosomal Dominant, Autosomal Recessive and X-Linked Classification Criteria (2023). Collection method: clinical testing. Allele origin: unknown.
Comment: This variant is considered pathogenic. This variant creates a termination codon and is predicted to result in premature protein truncation.